The following is an entry in ClinVar:

ClinVar aggregate classification (germline): Uncertain significance. Review status: criteria provided, multiple submitters, no conflicts (2 of 4 stars). 3 submissions from 3 submitters: Uncertain significance (3). Last evaluated 2024-07-08.

Conditions:
Hereditary cancer-predisposing syndrome. Also called: Hereditary neoplastic syndrome; Neoplastic Syndromes, Hereditary; Tumor predisposition; Hereditary Cancer Syndrome. Identifiers: Orphanet 140162, MedGen C0027672, MeSH D009386, MONDO:0015356.
BAP1-related tumor predisposition syndrome (TPDS1). Also called: BAP1 tumor predisposition syndrome; Tumor susceptibility linked to germline BAP1 mutations; COMMON Syndrome; TUMOR PREDISPOSITION SYNDROME 1. Identifiers: Orphanet 289539, MedGen C3280492, MONDO:0013692, OMIM 614327.

Submissions (3):

Labcorp Genetics (formerly Invitae), Labcorp
Classification: Uncertain significance for BAP1-related tumor predisposition syndrome. Last evaluated: 2024-07-08. Review status: criteria provided, single submitter. Criteria: Invitae Variant Classification Sherloc (09022015). Collection method: clinical testing. Allele origin: germline.
Comment: This sequence change replaces arginine, which is basic and polar, with cysteine, which is neutral and slightly polar, at codon 227 of the BAP1 protein (p.Arg227Cys). This variant is not present in population databases (gnomAD no frequency). This variant has not been reported in the literature in individuals affected with BAP1-related conditions. ClinVar contains an entry for this variant (Variation ID: 836657). Advanced modeling of protein sequence and biophysical properties (such as structural, functional, and spatial information, amino acid conservation, physicochemical variation, residue mobility, and thermodynamic stability) performed at Invitae indicates that this missense variant is not expected to disrupt BAP1 protein function with a negative predictive value of 80%. In summary, the available evidence is currently insufficient to determine the role of this variant in disease. Therefore, it has been classified as a Variant of Uncertain Significance.

GeneDx
Classification: Uncertain significance. Last evaluated: 2024-06-21. Review status: criteria provided, single submitter. Criteria: GeneDx Variant Classification Process June 2021. Collection method: clinical testing. Allele origin: germline. Affected: yes.
Comment: Not observed at significant frequency in large population cohorts (gnomAD); In silico analysis supports that this missense variant has a deleterious effect on protein structure/function; Has not been previously published as pathogenic or benign to our knowledge; This variant is associated with the following publications: (PMID: 31058963)

Ambry Genetics
Classification: Uncertain significance for Hereditary cancer-predisposing syndrome. Last evaluated: 2022-05-12. Review status: criteria provided, single submitter. Criteria: Ambry Variant Classification Scheme 2023. Collection method: clinical testing. Allele origin: germline.
Comment: The p.R227C variant (also known as c.679C>T), located in coding exon 9 of the BAP1 gene, results from a C to T substitution at nucleotide position 679. The arginine at codon 227 is replaced by cysteine, an amino acid with highly dissimilar properties. This amino acid position is highly conserved in available vertebrate species. In addition, this alteration is predicted to be deleterious by in silico analysis. Since supporting evidence is limited at this time, the clinical significance of this alteration remains unclear.

NM_004656.4(BAP1):c.679C>T (p.Arg227Cys)

Gene: BAP1 (BRCA1 associated deubiquitinase 1; minus strand). Cytogenetic location: 3p21.1.
Variant type: single nucleotide variant.
Coding change: c.679C>T on transcript NM_004656.4 (MANE Select); coding-DNA position 679, C replaced by T.
Protein change: p.Arg227Cys; replaces arginine 227 with cysteine.
Molecular consequence: missense variant.
Genome position (GRCh38, 1-based): chr3:52,406,357, G>A on the plus strand (C>T on the coding strand, the complement: BAP1 is on the minus strand). VCF-style: chr3-52406357-G-A. GRCh37 (hg19) VCF-style: chr3-52440373-G-A.
Other names: short protein forms R227C.
Identifiers: ClinVar variation 836657 (VCV000836657.10), dbSNP rs1705157962, ClinGen allele CA353107508.
Genomic context (GRCh38, chr3:52,406,357, plus strand): 5'-CATGCAGCCTGGCCTCATACTTGATCCTGCGGTCGGGCACCACTGCCATCAGGTTGAAGC[G>A]GATGTCGTGGTAGGGCTCCCTGCAGTCACAGCCGCAGCCGTGAGAGCAGCTCCCGCCCCG-3'
Protein context (NP_004647.1, residues 217-237): ATAGEPYHDI[Arg227Cys]FNLMAVVPDR